The following is an entry in ClinVar:

NM_014244.5(ADAMTS2):c.939_940insTATAAGAGACA (p.Val314fs)

Gene: ADAMTS2 (ADAM metallopeptidase with thrombospondin type 1 motif 2; minus strand). Cytogenetic location: 5q35.3.
Variant type: Insertion.
Coding change: c.939_940insTATAAGAGACA on transcript NM_014244.5 (MANE Select); coding-DNA positions 939 to 940, TATAAGAGACA inserted.
Protein change: p.Val314fs; shifts the reading frame from valine 314.
Molecular consequence: frameshift variant.
Genome position: GRCh38 VCF-style: chr5-179181107-C-CTGTCTCTTATA. GRCh37 (hg19) VCF-style: chr5-178608108-C-CTGTCTCTTATA.
Other names: c.939_940insTATAAGAGACA, p.Val314fs (NM_021599.4); short protein forms V314fs.
Identifiers: ClinVar variation 5010488 (VCV005010488.1).
Genomic context (GRCh38, chr5:179,181,107, plus strand): 5'-GCCCGGCTGGCCACAGTGCACTCACCTTTCCATAGCTCAGGAGGATGATCCGCACCAGGA[C>CTGTCTCTTATA]CACGTTGATGTGGGCACCCAAGGACTCGTCATGGTAGATTTCATTGACCTGAAAGAAACA-3'

ClinVar aggregate classification (germline): Pathogenic (1 of 4 stars; one submission).

Conditions:
Ehlers-Danlos syndrome, dermatosparaxis type. Also called: EDS VIIC; Dermatosparaxis; Ehlers-Danlos syndrome, type VII, autosomal recessive. Identifiers: Orphanet 1901, MedGen C2700425, MONDO:0009161, OMIM 225410.

Submission:

Myriad Genetics, Inc.
Classification: Pathogenic for Ehlers-Danlos syndrome, dermatosparaxis type. Last evaluated: 2024-05-14. Review status: criteria provided, single submitter. Criteria: Myriad Autosomal Dominant, Autosomal Recessive and X-Linked Classification Criteria (2023). Collection method: clinical testing. Allele origin: unknown.
Comment: NM_014244.4(ADAMTS2):c.939_940ins11(V314Yfs*12) is expected to be pathogenic in the context of Ehlers-Danlos syndrome, ADAMTS2-related. This variant is predicted to lead to an abnormal or absent protein product due to the creation of a premature termination codon in ADAMTS2, a gene where loss-of-function variants are known to be pathogenic. Please note: this variant was assessed in the context of healthy population screening.